The following is an entry in ClinVar:

ClinVar aggregate classification (germline): Uncertain significance. Review status: criteria provided, multiple submitters, no conflicts (2 of 4 stars). 4 submissions from 4 submitters: Uncertain significance (4). Last evaluated 2026-03-25.

Conditions:
Inborn genetic diseases. Identifiers: MedGen C0950123, MeSH D030342.
TWNK-related disorder. Also called: TWNK-related condition.

Allele frequency attached by ClinVar (database versions not stated): gnomAD exomes below 0.00001.
gnomAD v4.1: 5 of 1,614,198 alleles (0.00031%); highest among the groups gnomAD compares: Non-Finnish European, 0.00042%; no homozygotes.

Submissions (4):

PreventionGenetics, part of Exact Sciences
Classification: Uncertain significance for TWNK-related condition. Last evaluated: 2026-03-25. Review status: criteria provided, single submitter. Criteria: ACMG Guidelines, 2015. Collection method: clinical testing. Allele origin: germline.
Comment: The TWNK c.1324G>A variant is predicted to result in the amino acid substitution p.Gly442Ser. To our knowledge, this variant has not been reported in the literature or in a large population database (gnomAD), indicating this variant is rare. At this time, the clinical significance of this variant is uncertain due to the absence of conclusive functional and genetic evidence.

Ambry Genetics
Classification: Uncertain significance for Inborn genetic diseases. Last evaluated: 2026-01-21. Review status: criteria provided, single submitter. Criteria: Ambry Variant Classification Scheme 2023. Collection method: clinical testing. Allele origin: germline.

GeneDx
Classification: Uncertain significance. Last evaluated: 2024-01-22. Review status: criteria provided, single submitter. Criteria: GeneDx Variant Classification Process June 2021. Collection method: clinical testing. Allele origin: germline. Affected: yes.
Comment: Has not been previously published as pathogenic or benign to our knowledge; Not observed at significant frequency in large population cohorts (gnomAD); In silico analysis supports that this missense variant has a deleterious effect on protein structure/function

Labcorp Genetics (formerly Invitae), Labcorp
Classification: Uncertain significance. Last evaluated: 2023-04-09. Review status: criteria provided, single submitter. Criteria: Invitae Variant Classification Sherloc (09022015). Collection method: clinical testing. Allele origin: germline.
Comment: In summary, the available evidence is currently insufficient to determine the role of this variant in disease. Therefore, it has been classified as a Variant of Uncertain Significance. Advanced modeling of protein sequence and biophysical properties (such as structural, functional, and spatial information, amino acid conservation, physicochemical variation, residue mobility, and thermodynamic stability) performed at Invitae indicates that this missense variant is expected to disrupt TWNK protein function. ClinVar contains an entry for this variant (Variation ID: 1309717). This variant has not been reported in the literature in individuals affected with TWNK-related conditions. This variant is not present in population databases (gnomAD no frequency). This sequence change replaces glycine, which is neutral and non-polar, with serine, which is neutral and polar, at codon 442 of the TWNK protein (p.Gly442Ser).

NM_021830.5(TWNK):c.1324G>A (p.Gly442Ser)

Gene: TWNK (twinkle mtDNA helicase; plus strand). Cytogenetic location: 10q24.31.
Variant type: single nucleotide variant.
Coding change: c.1324G>A on transcript NM_021830.5 (MANE Select); coding-DNA position 1324, G replaced by A.
Protein change: p.Gly442Ser; replaces glycine 442 with serine.
Molecular consequence: missense variant. On other transcripts: 5 prime UTR variant (3), non-coding transcript variant (5).
Genome position (GRCh38, 1-based): chr10:100,989,724, G>A. VCF-style: chr10-100989724-G-A. GRCh37 (hg19) VCF-style: chr10-102749481-G-A.
Other names: c.1324G>A, p.Gly442Ser (NM_001163812.2); c.-39G>A (NM_001163813.2, NM_001163814.2, NM_001368275.1); short protein forms G442S.
Identifiers: ClinVar variation 1309717 (VCV001309717.8), dbSNP rs955238004, ClinGen allele CA212963484.